The following is an entry in ClinVar:

NM_001206927.2(DNAH8):c.2665-1G>C

Gene: DNAH8 (dynein axonemal heavy chain 8; plus strand). Cytogenetic location: 6p21.2.
Variant type: single nucleotide variant.
Coding change: c.2665-1G>C on transcript NM_001206927.2 (MANE Select); the canonical splice acceptor site of the intron before coding-DNA position 2665, G replaced by C.
Molecular consequence: splice acceptor variant.
Genome position (GRCh38, 1-based): chr6:38,790,288, G>C. VCF-style: chr6-38790288-G-C. GRCh37 (hg19) VCF-style: chr6-38758064-G-C.
Other names: c.2014-1G>C (NM_001371.4).
Identifiers: ClinVar variation 3706171 (VCV003706171.1).

ClinVar aggregate classification (germline): Likely pathogenic (1 of 4 stars; one submission).

Conditions:
Primary ciliary dyskinesia. Also called: Ciliary dyskinesia. Identifiers: Orphanet 244, MedGen C0008780, MONDO:0016575, HP:0012265.

gnomAD v4.1: 26 of 1,572,434 alleles (0.0017%); highest among the groups gnomAD compares: Non-Finnish European, 0.0022%; no homozygotes.

Submission:

Labcorp Genetics (formerly Invitae), Labcorp
Classification: Likely pathogenic for Primary ciliary dyskinesia. Last evaluated: 2024-07-26. Review status: criteria provided, single submitter. Criteria: Invitae Variant Classification Sherloc (09022015). Collection method: clinical testing. Allele origin: germline.
Comment: This sequence change affects an acceptor splice site in intron 19 of the DNAH8 gene. It is expected to disrupt RNA splicing. Variants that disrupt the donor or acceptor splice site typically lead to a loss of protein function (PMID: 16199547), and loss-of-function variants in DNAH8 are known to be pathogenic (PMID: 24307375, 32619401, 32681648). This variant is present in population databases (rs145961761, gnomAD 0.003%). This variant has not been reported in the literature in individuals affected with DNAH8-related conditions. Algorithms developed to predict the effect of sequence changes on RNA splicing suggest that this variant may disrupt the consensus splice site. In summary, the currently available evidence indicates that the variant is pathogenic, but additional data are needed to prove that conclusively. Therefore, this variant has been classified as Likely Pathogenic.

Literature cited by the submitters: PubMed 16199547; PubMed 24307375; PubMed 32619401; PubMed 32681648.